The following is an entry in ClinVar:

NM_017514.5(PLXNA3):c.3283G>A (p.Gly1095Ser)

Gene: PLXNA3 (plexin A3; plus strand). Cytogenetic location: Xq28.
Variant type: single nucleotide variant.
Coding change: c.3283G>A on transcript NM_017514.5 (MANE Select); coding-DNA position 3283, G replaced by A.
Protein change: p.Gly1095Ser; replaces glycine 1095 with serine.
Molecular consequence: missense variant.
Genome position (GRCh38, 1-based): chrX:154,467,313, G>A. VCF-style: chrX-154467313-G-A. GRCh37 (hg19) VCF-style: chrX-153695656-G-A.
Other names: short protein forms G1095S.
Identifiers: ClinVar variation 5000510 (VCV005000510.1).
Genomic context (GRCh38, chrX:154,467,313, plus strand): 5'-ACTGCCATGCTGTGTAAGGCCCCCGGCATCTTTCTTGGGCGGCCCCAGCCTCGGGCGCAA[G>A]GCGAGCACCCTGATGAGTTTGGCTTCCTGCTGGACCACGTGCAAACGGCCCGCTCCCTCA-3'
Protein context (NP_059984.3, residues 1085-1105): FLGRPQPRAQ[Gly1095Ser]EHPDEFGFLL

ClinVar aggregate classification (germline): Uncertain significance (1 of 4 stars; one submission).

Conditions:
PLXNA3-related disorder. Also called: PLXNA3-related condition.

Submission:

PreventionGenetics, part of Exact Sciences
Classification: Uncertain significance for PLXNA3-related condition. Last evaluated: 2025-03-13. Review status: criteria provided, single submitter. Criteria: ACMG Guidelines, 2015. Collection method: clinical testing. Allele origin: germline.
Comment: The PLXNA3 c.3283G>A variant is predicted to result in the amino acid substitution p.Gly1095Ser. To our knowledge, this variant has not been reported in the literature or in a large population database (gnomAD), indicating this variant is rare. At this time, the clinical significance of this variant is uncertain due to the absence of conclusive functional and genetic evidence.